The following is an entry in ClinVar:

NM_002473.6(MYH9):c.2037+5G>A

Gene: MYH9 (myosin heavy chain 9; minus strand). Cytogenetic location: 22q12.3.
Variant type: single nucleotide variant.
Coding change: c.2037+5G>A on transcript NM_002473.6 (MANE Select); 5 bases into the intron after coding-DNA position 2037, G replaced by A.
Molecular consequence: intron variant.
Genome position (GRCh38, 1-based): chr22:36,306,409, C>T on the plus strand (G>A on the coding strand, the complement: MYH9 is on the minus strand). VCF-style: chr22-36306409-C-T. GRCh37 (hg19) VCF-style: chr22-36702455-C-T.
Identifiers: ClinVar variation 4978992 (VCV004978992.1).
Genomic context (GRCh38, chr22:36,306,409, plus strand): 5'-CAGACAAGGGCTGAGCACCCCACACCACAGTGCCCTGCCCGGGCCACCCCACCAGGCAGC[C>T]GCACCTTCTTCTCGTGGTTGGGGATGATGCAGCGGACAAAGTTGGGGTTCGTGTTCCTCA-3'

ClinVar aggregate classification (germline): Uncertain significance (1 of 4 stars; one submission).

Conditions:
MYH9-related disorder. Identifiers: MedGen C1854520.

gnomAD v4.1: 32 of 1,613,928 alleles (0.002%); highest among the groups gnomAD compares: Middle Eastern, 0.016%; no homozygotes.

Submission:

PreventionGenetics, part of Exact Sciences
Classification: Uncertain significance for MYH9-related condition. Last evaluated: 2025-01-13. Review status: criteria provided, single submitter. Criteria: ACMG Guidelines, 2015. Collection method: clinical testing. Allele origin: germline.
Comment: The MYH9 c.2037+5G>A variant is predicted to interfere with splicing. This variant is predicted to alter splicing based on available splicing prediction programs (SpliceAI, Jaganathan et al. 2019. PubMed ID: 30661751). However, such computer prediction programs are imperfect. To our knowledge, this variant has not been reported in the literature. This variant is reported in 0.00089% of alleles in individuals of European (Non-Finnish) descent in gnomAD. At this time, the clinical significance of this variant is uncertain due to the absence of conclusive functional and genetic evidence.